The following is an entry in ClinVar:

NM_001242896.3(DEPDC5):c.562+6G>A

Gene: DEPDC5 (DEP domain containing 5, GATOR1 subcomplex subunit; plus strand). Cytogenetic location: 22q12.2.
Variant type: single nucleotide variant.
Coding change: c.562+6G>A on transcript NM_001242896.3 (MANE Select); 6 bases into the intron after coding-DNA position 562, G replaced by A.
Molecular consequence: intron variant.
Genome position (GRCh38, 1-based): chr22:31,783,991, G>A. VCF-style: chr22-31783991-G-A. GRCh37 (hg19) VCF-style: chr22-32179977-G-A.
Other names: c.562+6G>A (NM_001364318.2, NM_001136029.4, NM_014662.6 and 7 more transcripts); c.478+6G>A (NM_001369902.1, NM_001369901.1).
Identifiers: ClinVar variation 2916360 (VCV002916360.4), dbSNP rs761983277, ClinGen allele CA10196017.

ClinVar aggregate classification (germline): Uncertain significance. Review status: criteria provided, multiple submitters, no conflicts (2 of 4 stars). 2 submissions from 2 submitters: Uncertain significance (2). Last evaluated 2024-04-29.

Conditions:
Familial focal epilepsy with variable foci (FPEVF). Identifiers: Orphanet 98820, MedGen C1858477, MONDO:0020310.

Allele frequency attached by ClinVar (database versions not stated): gnomAD exomes below 0.00001; ExAC 0.00001.
gnomAD v4.1: 1 of 1,611,918 alleles (0.000062%); highest among the groups gnomAD compares: Non-Finnish European, 0.000085%; no homozygotes.

Submissions (2):

GeneDx
Classification: Uncertain significance. Last evaluated: 2024-04-29. Review status: criteria provided, single submitter. Criteria: GeneDx Variant Classification Process June 2021. Collection method: clinical testing. Allele origin: germline. Affected: yes.
Comment: Not observed at significant frequency in large population cohorts (gnomAD); Has not been previously published as pathogenic or benign to our knowledge; In silico analysis is inconclusive as to whether the variant alters gene splicing. In the absence of RNA/functional studies, the actual effect of this sequence change is unknown.

Labcorp Genetics (formerly Invitae), Labcorp
Classification: Uncertain significance for Familial focal epilepsy with variable foci. Last evaluated: 2023-10-24. Review status: criteria provided, single submitter. Criteria: Invitae Variant Classification Sherloc (09022015). Collection method: clinical testing. Allele origin: germline.
Comment: This sequence change falls in intron 9 of the DEPDC5 gene. It does not directly change the encoded amino acid sequence of the DEPDC5 protein. It affects a nucleotide within the consensus splice site. This variant is present in population databases (rs761983277, gnomAD 0.0009%). This variant has not been reported in the literature in individuals affected with DEPDC5-related conditions. Variants that disrupt the consensus splice site are a relatively common cause of aberrant splicing (PMID: 17576681, 9536098). Algorithms developed to predict the effect of sequence changes on RNA splicing suggest that this variant may disrupt the consensus splice site. In summary, the available evidence is currently insufficient to determine the role of this variant in disease. Therefore, it has been classified as a Variant of Uncertain Significance.

Literature cited by the submitters: PubMed 17576681 (cited by Labcorp Genetics (formerly Invitae), Labcorp); PubMed 9536098 (cited by Labcorp Genetics (formerly Invitae), Labcorp).